The following is an entry in ClinVar:

ClinVar aggregate classification (germline): Uncertain significance. Review status: criteria provided, multiple submitters, no conflicts (2 of 4 stars). 3 submissions from 3 submitters: Uncertain significance (2). 1 of the submissions does not count toward it. Last evaluated 2021-09-01.

Conditions:
Usher syndrome type 1F (USH1F). Also called: USHER SYNDROME, TYPE IF. Identifiers: Orphanet 231169, Orphanet 886, MedGen C1865885, MONDO:0011186, OMIM 602083.

Allele frequency attached by ClinVar (database versions not stated): gnomAD exomes below 0.00001 and 0.00001; TOPMed below 0.00001; ExAC 0.00002.
gnomAD v4.1: 4 of 1,614,124 alleles (0.00025%); highest among the groups gnomAD compares: Admixed American, 0.0017%; no homozygotes.

Submissions (3):

Labcorp Genetics (formerly Invitae), Labcorp
Classification: Uncertain significance. Last evaluated: 2021-09-01. Review status: criteria provided, single submitter. Criteria: Invitae Variant Classification Sherloc (09022015). Collection method: clinical testing. Allele origin: germline.
Comment: This sequence change replaces threonine with alanine at codon 1616 of the PCDH15 protein (p.Thr1616Ala). The threonine residue is weakly conserved and there is a small physicochemical difference between threonine and alanine. This variant is present in population databases (rs751863041, ExAC 0.02%). This variant has not been reported in the literature in individuals affected with PCDH15-related conditions. ClinVar contains an entry for this variant (Variation ID: 666902). Algorithms developed to predict the effect of missense changes on protein structure and function (SIFT, PolyPhen-2, Align-GVGD) all suggest that this variant is likely to be tolerated. In summary, the available evidence is currently insufficient to determine the role of this variant in disease. Therefore, it has been classified as a Variant of Uncertain Significance.

Laboratory for Molecular Medicine, Mass General Brigham Personalized Medicine
Classification: Uncertain significance. Last evaluated: 2018-02-26. Review status: criteria provided, single submitter. Criteria: LMM Criteria. Collection method: clinical testing. Allele origin: germline. Observed: 2 variant alleles.
Comment: Variant classified as Uncertain Significance - Favor Benign. The p.Thr1616Ala va riant in PCDH15 has not been previously reported in individuals with hearing los s, but has been identified in 1/33576 Latino chromosomes by the Genome Aggregati on Database (gnomAD; dbSNP rs751863041). Altho ugh this variant has been seen in the general population, its frequency is not h igh enough to rule out a pathogenic role. Threonine at position 1616 is not cons erved in mammals or evolutionarily distant species, raising the possibility that a change at this position may be tolerated. Additional computational prediction tools suggest that the p.Thr1616Ala variant may not impact the protein, though this information is not predictive enough to rule out pathogenicity. In summary, while the clinical significance of the p.Thr1616Ala variant is uncertain, these data suggest that it is more likely to be benign. ACMG/AMP Criteria applied: PM 2; BP4.

Natera, Inc.
Classification: Uncertain significance for Usher syndrome type 1F. Last evaluated: 2021-05-28. Review status: no assertion criteria provided. Collection method: clinical testing. Allele origin: germline. Not counted in ClinVar's aggregate classification.

NM_033056.4(PCDH15):c.4846A>G (p.Thr1616Ala)

Gene: PCDH15 (protocadherin related 15; minus strand). Cytogenetic location: 10q21.1.
Variant type: single nucleotide variant.
Coding change: c.4846A>G on transcript NM_033056.4 (MANE Plus Clinical); coding-DNA position 4846, A replaced by G.
Protein change: p.Thr1616Ala; replaces threonine 1616 with alanine.
Molecular consequence: missense variant. On other transcripts: intron variant (8).
Genome position (GRCh38, 1-based): chr10:53,822,880, T>C on the plus strand (A>G on the coding strand, the complement: PCDH15 is on the minus strand). VCF-style: chr10-53822880-T-C. GRCh37 (hg19) VCF-style: chr10-55582640-T-C.
Other names: c.4409+2256A>G (NM_001142769.3); c.4867A>G, p.Thr1623Ala (NM_001142763.2); c.4852A>G, p.Thr1618Ala (NM_001142764.2); c.4639A>G, p.Thr1547Ala (NM_001142765.2); c.4837A>G, p.Thr1613Ala (NM_001142766.2); c.4726A>G, p.Thr1576Ala (NM_001142767.2); c.4786A>G, p.Thr1596Ala (NM_001142768.2); c.4777A>G, p.Thr1593Ala (NM_001142773.2); and 6 more; short protein forms T1576A, T1618A, T1596A, T1547A, T1593A, T1613A, T1623A, T1594A.
Identifiers: ClinVar variation 666902 (VCV000666902.7), dbSNP rs751863041, ClinGen allele CA5505179.